The following is an entry in ClinVar:

NM_144701.3(IL23R):c.161C>T (p.Ala54Val)

Gene: IL23R (interleukin 23 receptor; plus strand). Cytogenetic location: 1p31.3.
Variant type: single nucleotide variant.
Coding change: c.161C>T on transcript NM_144701.3 (MANE Select); coding-DNA position 161, C replaced by T.
Protein change: p.Ala54Val; replaces alanine 54 with valine.
Molecular consequence: missense variant.
Genome position (GRCh38, 1-based): chr1:67,169,432, C>T. VCF-style: chr1-67169432-C-T. GRCh37 (hg19) VCF-style: chr1-67635115-C-T.
Other names: short protein forms A54V.
Identifiers: ClinVar variation 2824179 (VCV002824179.3), dbSNP rs2525202946, ClinGen allele CA340732296.

ClinVar aggregate classification (germline): Uncertain significance (1 of 4 stars; one submission).

Allele frequency attached by ClinVar (database versions not stated): gnomAD exomes below 0.00001.
gnomAD v4.1: 1 of 1,613,050 alleles (0.000062%); highest among the groups gnomAD compares: Non-Finnish European, 0.000085%; no homozygotes.

Submission:

Labcorp Genetics (formerly Invitae), Labcorp
Classification: Uncertain significance. Last evaluated: 2023-01-01. Review status: criteria provided, single submitter. Criteria: Invitae Variant Classification Sherloc (09022015). Collection method: clinical testing. Allele origin: germline.
Comment: This variant has not been reported in the literature in individuals affected with IL23R-related conditions. In summary, the available evidence is currently insufficient to determine the role of this variant in disease. Therefore, it has been classified as a Variant of Uncertain Significance. Algorithms developed to predict the effect of missense changes on protein structure and function output the following: SIFT: "Tolerated"; PolyPhen-2: "Possibly Damaging"; Align-GVGD: "Class C0". The valine amino acid residue is found in multiple mammalian species, which suggests that this missense change does not adversely affect protein function. This variant is not present in population databases (gnomAD no frequency). This sequence change replaces alanine, which is neutral and non-polar, with valine, which is neutral and non-polar, at codon 54 of the IL23R protein (p.Ala54Val).